The following is an entry in ClinVar:

NM_004959.5(NR5A1):c.185G>A (p.Arg62His)

Gene: NR5A1 (nuclear receptor subfamily 5 group A member 1; minus strand). Cytogenetic location: 9q33.3.
Variant type: single nucleotide variant.
Coding change: c.185G>A on transcript NM_004959.5 (MANE Select); coding-DNA position 185, G replaced by A.
Protein change: p.Arg62His; replaces arginine 62 with histidine.
Molecular consequence: missense variant.
Genome position (GRCh38, 1-based): chr9:124,503,138, C>T on the plus strand (G>A on the coding strand, the complement: NR5A1 is on the minus strand). VCF-style: chr9-124503138-C-T. GRCh37 (hg19) VCF-style: chr9-127265417-C-T.
Other names: short protein forms R62H.
Identifiers: ClinVar variation 2662394 (VCV002662394.1), dbSNP rs1832493571, ClinGen allele CA374890314.

ClinVar aggregate classification (germline): Uncertain significance (1 of 4 stars; one submission).

Submission:

GeneDx
Classification: Uncertain significance. Last evaluated: 2023-05-19. Review status: criteria provided, single submitter. Criteria: GeneDx Variant Classification Process June 2021. Collection method: clinical testing. Allele origin: germline. Affected: yes.
Comment: Not observed at significant frequency in large population cohorts (gnomAD); In silico analysis supports that this missense variant has a deleterious effect on protein structure/function; Has not been previously published as pathogenic or benign to our knowledge